The following is an entry in ClinVar:

ClinVar aggregate classification (germline): Benign. Review status: criteria provided, multiple submitters, no conflicts (2 of 4 stars). 4 submissions from 4 submitters: Benign (3). 1 of the submissions does not count toward it. Last evaluated 2021-07-14.

Conditions:
MAPK8IP3-related disorder. Also called: MAPK8IP3-related condition.
Neurodevelopmental disorder with or without variable brain abnormalities; NEDBA. Also called: NEURODEVELOPMENTAL DISORDER WITH OR WITHOUT VARIABLE BRAIN ABNORMALITIES. Identifiers: MedGen C5193102, MONDO:0032755, OMIM 618443.

Allele frequency attached by ClinVar (database versions not stated): ESP Exome Variant Server 0.09818; TOPMed 0.11016; gnomAD 0.11204 and 0.11744; gnomAD exomes 0.14085 and 0.14511; 1000 Genomes Project 30x 0.14647; 1000 Genomes Project 0.15256; ExAC 0.22463.
gnomAD v4.1: 221,019 of 1,597,666 alleles (14%); highest among the groups gnomAD compares: East Asian, 32%; 16,937 homozygotes.

Submissions (4):

Genome-Nilou Lab
Classification: Benign for Neurodevelopmental disorder with or without variable brain abnormalities; NEDBA. Last evaluated: 2021-07-14. Review status: criteria provided, single submitter. Criteria: ACMG Guidelines, 2015. Collection method: clinical testing. Allele origin: germline. Affected: no.

GeneDx
Classification: Benign. Last evaluated: 2021-06-24. Review status: criteria provided, single submitter. Criteria: GeneDx Variant Classification Process June 2021. Collection method: clinical testing. Allele origin: germline. Affected: yes.

Breakthrough Genomics
Classification: Benign. Review status: criteria provided, single submitter. Criteria: ACMG Guidelines, 2015. Collection method: not provided. Allele origin: germline. Inheritance: Autosomal dominant inheritance. Affected: yes.

PreventionGenetics, part of Exact Sciences
Classification: Benign for MAPK8IP3-related condition. Last evaluated: 2019-11-07. Review status: no assertion criteria provided. Collection method: clinical testing. Allele origin: germline. Not counted in ClinVar's aggregate classification.
Comment: This variant is classified as benign based on ACMG/AMP sequence variant interpretation guidelines (Richards et al. 2015 PMID: 25741868, with internal and published modifications).

NM_001318852.2(MAPK8IP3):c.2211T>C (p.Asp737=)

Gene: MAPK8IP3 (mitogen-activated protein kinase 8 interacting protein 3; plus strand). Cytogenetic location: 16p13.3.
Variant type: single nucleotide variant.
Coding change: c.2211T>C on transcript NM_001318852.2 (MANE Select); coding-DNA position 2211, T replaced by C.
Protein change: p.Asp737=; no amino-acid change (aspartic acid 737 retained).
Molecular consequence: synonymous variant.
Genome position (GRCh38, 1-based): chr16:1,764,390, T>C. VCF-style: chr16-1764390-T-C. GRCh37 (hg19) VCF-style: chr16-1814391-T-C.
Other names: c.2190T>C, p.Asp730= (NM_001040439.2); c.2208T>C, p.Asp736= (NM_015133.5).
Identifiers: ClinVar variation 1185435 (VCV001185435.7), dbSNP rs2294618, ClinGen allele CA7817175.
Genomic context (GRCh38, chr16:1,764,390, plus strand): 5'-CGGGTGGAGGCCCAATGAGGACGACGCTGGGAATGGAGTCAAGCCAGCGCCAGGCCGCGA[T>C]CCCCTGACCTGCGACCGCGAAGGAGACGGCGAGCCCAAGAGCGCCCACACGTCTCCCGAG-3'
Protein context (NP_001305781.1, residues 727-747): GNGVKPAPGR[Asp737=]PLTCDREGDG